The following is an entry in ClinVar:

ClinVar aggregate classification (germline): Uncertain significance (1 of 4 stars; one submission).

Conditions:
Megalencephaly-polymicrogyria-polydactyly-hydrocephalus syndrome 1 (MPPH1). Also called: MEGALENCEPHALY, MEGA CORPUS CALLOSUM, AND COMPLETE LACK OF MOTOR DEVELOPMENT; MEGALENCEPHALY, POLYMICROGYRIA, MEGA CORPUS CALLOSUM SYNDROME. Identifiers: Orphanet 83473, MedGen C4012727, MONDO:0011313, OMIM 603387.

Submission:

3billion
Classification: Uncertain significance for Megalencephaly-polymicrogyria-polydactyly-hydrocephalus syndrome 1. Last evaluated: 2024-08-29. Review status: criteria provided, single submitter. Criteria: ACMG Guidelines, 2015. Collection method: clinical testing. Allele origin: germline. Affected: yes.
Comment: The variant is observed at an extremely low frequency in the gnomAD v4.0.0 dataset (total allele frequency: <0.001%). Predicted Consequence/Location: The variant is located in a mutational hot spot and/or well-established functional domain in which established pathogenic variants have been reported (PMID: 26860062). In silico tool predictions suggest damaging effect of the variant on gene or gene product [REVEL: 0.88 (>=0.6, sensitivity 0.68 and specificity 0.92)]. Therefore, this variant is classified as VUS according to the recommendation of ACMG/AMP guideline.

NM_005027.4(PIK3R2):c.1058T>G (p.Leu353Arg)

Gene: PIK3R2 (phosphoinositide-3-kinase regulatory subunit 2; plus strand). Cytogenetic location: 19p13.11.
Variant type: single nucleotide variant.
Coding change: c.1058T>G on transcript NM_005027.4 (MANE Select); coding-DNA position 1058, T replaced by G.
Protein change: p.Leu353Arg; replaces leucine 353 with arginine.
Molecular consequence: missense variant. On other transcripts: non-coding transcript variant (2).
Genome position (GRCh38, 1-based): chr19:18,162,455, T>G. VCF-style: chr19-18162455-T-G. GRCh37 (hg19) VCF-style: chr19-18273265-T-G.
Other names: short protein forms L353R.
Identifiers: ClinVar variation 4291920 (VCV004291920.1).